The following is an entry in ClinVar:

ClinVar aggregate classification (germline): Benign/Likely benign. Review status: criteria provided, multiple submitters, no conflicts (2 of 4 stars). 5 submissions from 5 submitters: Benign (1); Likely benign (4). Last evaluated 2024-09-20.

Conditions:
Breast and/or ovarian cancer. Identifiers: MedGen CN221562.
Hereditary cancer-predisposing syndrome. Also called: Tumor predisposition; Hereditary Cancer Syndrome; Hereditary neoplastic syndrome; Neoplastic Syndromes, Hereditary. Identifiers: Orphanet 140162, MedGen C0027672, MeSH D009386, MONDO:0015356.
Hereditary diffuse gastric adenocarcinoma (HDGC). Also called: DIFFUSE GASTRIC AND LOBULAR BREAST CANCER SYNDROME. Identifiers: Orphanet 26106, MedGen C1708349, MONDO:0007648, OMIM 137215.

Allele frequency attached by ClinVar (database versions not stated): gnomAD exomes below 0.00001.
gnomAD v4.1: 1 of 1,614,048 alleles (0.000062%); highest among the groups gnomAD compares: Non-Finnish European, 0.000085%; no homozygotes.

Submissions (5):

Myriad Genetics, Inc.
Classification: Benign for Hereditary diffuse gastric adenocarcinoma. Last evaluated: 2024-09-20. Review status: criteria provided, single submitter. Criteria: Myriad Autosomal Dominant, Autosomal Recessive and X-Linked Classification Criteria (2023). Collection method: clinical testing. Allele origin: unknown.
Comment: This variant is considered benign. This variant is a silent/synonymous amino acid change and it is not expected to impact splicing.

Labcorp Genetics (formerly Invitae), Labcorp
Classification: Likely benign for Hereditary diffuse gastric adenocarcinoma. Last evaluated: 2024-05-28. Review status: criteria provided, single submitter. Criteria: Invitae Variant Classification Sherloc (09022015). Collection method: clinical testing. Allele origin: germline.

Ambry Genetics
Classification: Likely benign for Hereditary cancer-predisposing syndrome. Last evaluated: 2020-05-05. Review status: criteria provided, single submitter. Criteria: Ambry Variant Classification Scheme 2023. Collection method: clinical testing. Allele origin: germline.

Color Diagnostics, LLC DBA Color Health
Classification: Likely benign for Hereditary cancer-predisposing syndrome. Last evaluated: 2019-08-21. Review status: criteria provided, single submitter. Criteria: ACMG Guidelines, 2015. Collection method: clinical testing. Allele origin: germline.

CHEO Genetics Diagnostic Laboratory, Children's Hospital of Eastern Ontario
Classification: Likely benign for Breast and/or ovarian cancer. Last evaluated: 2019-04-26. Review status: criteria provided, single submitter. Criteria: ACMG Guidelines, 2015. Collection method: clinical testing. Allele origin: germline.

NM_004360.5(CDH1):c.1860T>G (p.Pro620=)

Gene: CDH1 (cadherin 1; plus strand). Cytogenetic location: 16q22.1.
Variant type: single nucleotide variant.
Coding change: c.1860T>G on transcript NM_004360.5 (MANE Select); coding-DNA position 1860, T replaced by G.
Protein change: p.Pro620=; no amino-acid change (proline 620 retained).
Molecular consequence: synonymous variant. On other transcripts: 5 prime UTR variant (1).
Genome position (GRCh38, 1-based): chr16:68,822,149, T>G. VCF-style: chr16-68822149-T-G. GRCh37 (hg19) VCF-style: chr16-68856052-T-G.
Other names: c.1860T>G (LRG_301t1); c.1677T>G, p.Pro559= (NM_001317184.2); c.312T>G, p.Pro104= (NM_001317185.2); c.-106T>G (NM_001317186.2).
Identifiers: ClinVar variation 184198 (VCV000184198.17), dbSNP rs786201329, ClinGen allele CA188180.